The following is an entry in ClinVar:

ClinVar aggregate classification (germline): Likely benign. Review status: criteria provided, multiple submitters, no conflicts (2 of 4 stars). 10 submissions from 7 submitters: Likely benign (10). Last evaluated 2025-10-01.

Conditions:
Congenital myopathy 18. Also called: Myopathy, congenital, due to dihydropyridine receptor defect; DIHYDROPYRIDINE RECEPTOR CONGENITAL MYOPATHY; DHPR CONGENITAL MYOPATHY. Identifiers: MedGen C5830283, MONDO:0859514, OMIM 620246.
Hypokalemic periodic paralysis, type 1. Also called: HypoPP; Hypokalemic Periodic Paralysis Type 1 (AD). Identifiers: Orphanet 681, MedGen C3714580, MONDO:0042979, OMIM 170400.
Malignant hyperthermia, susceptibility to, 5 (MHS5). Also called: CACNA1S-Related Malignant Hyperthermia Susceptibility. Identifiers: Orphanet 423, MedGen C1866077, MONDO:0011163, OMIM 601887.
Thyrotoxic periodic paralysis, susceptibility to, 1 (TTPP1). Identifiers: Orphanet 79102, MedGen C2749982, MONDO:0008570, OMIM 188580.

Allele frequency attached by ClinVar (database versions not stated): ExAC 0.00002; TOPMed 0.00002; 1000 Genomes Project 30x 0.00016; 1000 Genomes Project 0.00020.
gnomAD v4.1: 30 of 1,613,568 alleles (0.0019%); highest among the groups gnomAD compares: Middle Eastern, 0.21%; no homozygotes.

Submissions (10):

Labcorp Genetics (formerly Invitae), Labcorp
Classification: Likely benign for Hypokalemic periodic paralysis, type 1; Malignant hyperthermia, susceptibility to, 5. Last evaluated: 2025-10-01. Review status: criteria provided, single submitter. Criteria: Invitae Variant Classification Sherloc (09022015). Collection method: clinical testing. Allele origin: germline.

CeGaT Center for Human Genetics Tuebingen
Classification: Likely benign. Last evaluated: 2025-02-01. Review status: criteria provided, single submitter. Criteria: CeGaT Center For Human Genetics Tuebingen Variant Classification Criteria Version 2. Collection method: clinical testing. Allele origin: germline. Affected: yes. Observed: 5 variant alleles.
Comment: CACNA1S: BP4, BP7

Genome-Nilou Lab
Classification: Likely benign for Malignant hyperthermia, susceptibility to, 5. Last evaluated: 2023-04-11. Review status: criteria provided, single submitter. Criteria: ACMG Guidelines, 2015. Collection method: clinical testing. Allele origin: germline. Affected: no.

Genome-Nilou Lab
Classification: Likely benign for Thyrotoxic periodic paralysis, susceptibility to, 1. Last evaluated: 2023-04-11. Review status: criteria provided, single submitter. Criteria: ACMG Guidelines, 2015. Collection method: clinical testing. Allele origin: germline. Affected: no.

Genome-Nilou Lab
Classification: Likely benign for Congenital myopathy 18. Last evaluated: 2023-04-11. Review status: criteria provided, single submitter. Criteria: ACMG Guidelines, 2015. Collection method: clinical testing. Allele origin: germline. Affected: no.

Genome-Nilou Lab
Classification: Likely benign for Hypokalemic periodic paralysis, type 1. Last evaluated: 2023-04-11. Review status: criteria provided, single submitter. Criteria: ACMG Guidelines, 2015. Collection method: clinical testing. Allele origin: germline. Affected: no.

Color Diagnostics, LLC DBA Color Health
Classification: Likely benign for Malignant hyperthermia, susceptibility to, 5. Last evaluated: 2022-11-06. Review status: criteria provided, single submitter. Criteria: ACMG Guidelines, 2015. Collection method: clinical testing. Allele origin: germline.

GeneDx
Classification: Likely benign. Last evaluated: 2019-10-22. Review status: criteria provided, single submitter. Criteria: GeneDx Variant Classification Process June 2021. Collection method: clinical testing. Allele origin: germline. Affected: yes.

Illumina Laboratory Services, Illumina
Classification: Likely benign for Hypokalemic periodic paralysis, type 1. Last evaluated: 2018-01-13. Review status: criteria provided, single submitter. Criteria: ICSL Variant Classification Criteria 13 December 2019. Collection method: clinical testing. Allele origin: germline.
Comment: This variant was observed in the ICSL laboratory as part of a predisposition screen in an ostensibly healthy population. It had not been previously curated by ICSL or reported in the Human Gene Mutation Database (HGMD: prior to June 1st, 2018), and was therefore a candidate for classification through an automated scoring system. Utilizing variant allele frequency, disease prevalence and penetrance estimates, and inheritance mode, an automated score was calculated to assess if this variant is too frequent to cause the disease. Based on the score and internal cut-off values, a variant classified as likely benign is not then subjected to further curation. The score for this variant resulted in a classification of likely benign for this disease.

Breakthrough Genomics
Classification: Likely benign. Review status: criteria provided, single submitter. Criteria: ACMG Guidelines, 2015. Collection method: not provided. Allele origin: germline. Inheritance: Autosomal dominant inheritance. Affected: yes.

NM_000069.3(CACNA1S):c.1047C>T (p.Thr349=)

Gene: CACNA1S (calcium voltage-gated channel subunit alpha1 S; minus strand). Cytogenetic location: 1q32.1.
Variant type: single nucleotide variant.
Coding change: c.1047C>T on transcript NM_000069.3 (MANE Select); coding-DNA position 1047, C replaced by T.
Protein change: p.Thr349=; no amino-acid change (threonine 349 retained).
Molecular consequence: synonymous variant.
Genome position (GRCh38, 1-based): chr1:201,085,539, G>A on the plus strand (C>T on the coding strand, the complement: CACNA1S is on the minus strand). VCF-style: chr1-201085539-G-A. GRCh37 (hg19) VCF-style: chr1-201054667-G-A.
Identifiers: ClinVar variation 511127 (VCV000511127.50), dbSNP rs542505383, ClinGen allele CA077929.
Genomic context (GRCh38, chr1:201,085,539, plus strand): 5'-CCAGCTCATGTAGCCCCGAAGGTCCTCATCTAGTTGCTGCTTCTCCCGGAGCTTCTGGAA[G>A]GTTCCCCTGGACTTGGCCTTCTCCCGCTCCTTGGTGAATTCCCTGAAATGAGATGGGGGA-3'
Protein context (NP_000060.2, residues 339-359): KEREKAKSRG[Thr349=]FQKLREKQQL